The following is an entry in ClinVar:

ClinVar aggregate classification (germline): Uncertain significance (1 of 4 stars; one submission).

Allele frequency attached by ClinVar (database versions not stated): gnomAD exomes below 0.00001.
gnomAD v4.1: 2 of 1,614,186 alleles (0.00012%); highest among the groups gnomAD compares: African/African-American, 0.0013%; no homozygotes.

Submission:

Labcorp Genetics (formerly Invitae), Labcorp
Classification: Uncertain significance. Last evaluated: 2023-11-19. Review status: criteria provided, single submitter. Criteria: Invitae Variant Classification Sherloc (09022015). Collection method: clinical testing. Allele origin: germline.
Comment: This sequence change replaces glutamic acid, which is acidic and polar, with lysine, which is basic and polar, at codon 193 of the MYO5B protein (p.Glu193Lys). This variant is present in population databases (no rsID available, gnomAD 0.0009%). This variant has not been reported in the literature in individuals affected with MYO5B-related conditions. Advanced modeling of protein sequence and biophysical properties (such as structural, functional, and spatial information, amino acid conservation, physicochemical variation, residue mobility, and thermodynamic stability) performed at Invitae indicates that this missense variant is expected to disrupt MYO5B protein function with a positive predictive value of 80%. In summary, the available evidence is currently insufficient to determine the role of this variant in disease. Therefore, it has been classified as a Variant of Uncertain Significance.

NM_001080467.3(MYO5B):c.577G>A (p.Glu193Lys)

Gene: MYO5B (myosin VB; minus strand). Cytogenetic location: 18q21.1.
Variant type: single nucleotide variant.
Coding change: c.577G>A on transcript NM_001080467.3 (MANE Select); coding-DNA position 577, G replaced by A.
Protein change: p.Glu193Lys; replaces glutamic acid 193 with lysine.
Molecular consequence: missense variant.
Genome position (GRCh38, 1-based): chr18:50,001,290, C>T on the plus strand (G>A on the coding strand, the complement: MYO5B is on the minus strand). VCF-style: chr18-50001290-C-T. GRCh37 (hg19) VCF-style: chr18-47527660-C-T.
Other names: short protein forms E193K.
Identifiers: ClinVar variation 2874705 (VCV002874705.3), dbSNP rs1343072949, ClinGen allele CA402439826.